The following is an entry in ClinVar:

NM_001375808.2(LPIN2):c.*950A>C

Gene: LPIN2 (lipin 2; minus strand). Cytogenetic location: 18p11.31.
Variant type: single nucleotide variant.
Coding change: c.*950A>C on transcript NM_001375808.2 (MANE Select); 950 bases downstream of the stop codon, A replaced by C.
Molecular consequence: 3 prime UTR variant.
Genome position (GRCh38, 1-based): chr18:2,919,343, T>G on the plus strand (A>C on the coding strand, the complement: LPIN2 is on the minus strand). VCF-style: chr18-2919343-T-G. GRCh37 (hg19) VCF-style: chr18-2919341-T-G.
Other names: c.*950A>C (NM_001375809.1, NM_014646.2).
Identifiers: ClinVar variation 326596 (VCV000326596.5), dbSNP rs3810065, ClinGen allele CA10651465.

ClinVar aggregate classification (germline): Benign (1 of 4 stars; one submission).

Conditions:
Majeed syndrome (MJDS). Also called: CHRONIC RECURRENT MULTIFOCAL OSTEOMYELITIS 1, WITH CONGENITAL DYSERYTHROPOIETIC ANEMIA, WITH OR WITHOUT NEUTROPHILIC DERMATOSIS; LPIN2-Related Majeed Syndrome. Identifiers: Orphanet 77297, MedGen C1864997, MONDO:0012316, OMIM 609628.

Allele frequency attached by ClinVar (database versions not stated): gnomAD 0.01773 and 0.02011; TOPMed 0.02582; 1000 Genomes Project 0.04872; 1000 Genomes Project 30x 0.05372.

Submission:

Illumina Laboratory Services, Illumina
Classification: Benign for Majeed syndrome. Last evaluated: 2018-01-13. Review status: criteria provided, single submitter. Criteria: ICSL Variant Classification Criteria 13 December 2019. Collection method: clinical testing. Allele origin: germline.
Comment: This variant was observed in the ICSL laboratory as part of a predisposition screen in an ostensibly healthy population. It had not been previously curated by ICSL or reported in the Human Gene Mutation Database (HGMD: prior to June 1st, 2018), and was therefore a candidate for classification through an automated scoring system. Utilizing variant allele frequency, disease prevalence and penetrance estimates, and inheritance mode, an automated score was calculated to assess if this variant is too frequent to cause the disease. Based on the score and internal cut-off values, a variant classified as benign is not then subjected to further curation. The score for this variant resulted in a classification of benign for this disease.